The following is an entry in ClinVar:

ClinVar aggregate classification (germline): Uncertain significance (1 of 4 stars; one submission).

Conditions:
Familial thoracic aortic aneurysm and aortic dissection (TAAD). Also called: Thoracic aortic aneurysms and dissections. Identifiers: Orphanet 91387, MedGen C4707243, MONDO:0019625.

Submission:

Color Diagnostics, LLC DBA Color Health
Classification: Uncertain significance for Familial thoracic aortic aneurysm and aortic dissection. Last evaluated: 2025-05-12. Review status: criteria provided, single submitter. Criteria: ACMG Guidelines, 2015. Collection method: clinical testing. Allele origin: germline.
Comment: This missense variant replaces aspartic acid with asparagine at codon 1676 of the MYH11 protein. Computational prediction is inconclusive regarding the impact of this variant on protein structure and function. To our knowledge, functional studies have not been reported for this variant. This variant has not been reported in individuals affected with MYH11-related disorders in the literature. This variant has not been identified in the general population by the Genome Aggregation Database (gnomAD). The available evidence is insufficient to determine the role of this variant in disease conclusively. Therefore, this variant is classified as a Variant of Uncertain Significance.

NM_002474.3(MYH11):c.5005G>A (p.Asp1669Asn)

Genes: MYH11 (myosin heavy chain 11; minus strand), NDE1 (nudE neurodevelopment protein 1; plus strand). Cytogenetic location: 16p13.11.
Variant type: single nucleotide variant.
Coding change: c.5005G>A on transcript NM_002474.3 (MANE Select); coding-DNA position 5005, G replaced by A.
Protein change: p.Asp1669Asn; replaces aspartic acid 1669 with asparagine.
Molecular consequence: missense variant. On other transcripts: intron variant (2).
Genome position (GRCh38, 1-based): chr16:15,719,662, C>T on the plus strand (G>A on the coding strand, the complement: MYH11 is on the minus strand). VCF-style: chr16-15719662-C-T. GRCh37 (hg19) VCF-style: chr16-15813519-C-T.
Other names: c.5026G>A, p.Asp1676Asn (NM_001040113.2, NM_001040114.2); c.5005G>A, p.Asp1669Asn (NM_022844.3); c.948-4529C>T (NM_001143979.2, NM_017668.3); short protein forms D1669N, D1676N.
Identifiers: ClinVar variation 4758320 (VCV004758320.1).